The following is an entry in ClinVar:

ClinVar aggregate classification (germline): Uncertain significance (1 of 4 stars; one submission).

Submission:

Labcorp Genetics (formerly Invitae), Labcorp
Classification: Uncertain significance. Last evaluated: 2025-10-06. Review status: criteria provided, single submitter. Criteria: Invitae Variant Classification Sherloc (09022015). Collection method: clinical testing. Allele origin: germline.
Comment: This sequence change affects a donor splice site in intron 17 of the ACAN gene. While this variant is not anticipated to result in nonsense mediated decay, it likely alters RNA splicing and results in a disrupted protein product. This variant is not present in population databases (gnomAD no frequency). This variant has not been reported in the literature in individuals affected with ACAN-related conditions. ClinVar contains an entry for this variant (Variation ID: 2028901). Variants that disrupt the consensus splice site are a relatively common cause of aberrant splicing (PMID: 17576681, 9536098). Algorithms developed to predict the effect of sequence changes on RNA splicing suggest that this variant may disrupt the consensus splice site. In summary, the available evidence is currently insufficient to determine the role of this variant in disease. Therefore, it has been classified as a Variant of Uncertain Significance.

Literature cited by the submitters: PubMed 17576681; PubMed 9536098.

NM_001369268.1(ACAN):c.7630+1G>T

Gene: ACAN (aggrecan; plus strand). Cytogenetic location: 15q26.1.
Variant type: single nucleotide variant.
Coding change: c.7630+1G>T on transcript NM_001369268.1 (MANE Select); the canonical splice donor site of the intron after coding-DNA position 7630, G replaced by T.
Molecular consequence: splice donor variant. On other transcripts: intron variant (1).
Genome position (GRCh38, 1-based): chr15:88,874,025, G>T. VCF-style: chr15-88874025-G-T. GRCh37 (hg19) VCF-style: chr15-89417256-G-T.
Other names: c.7516+1G>T (NM_013227.4, NM_001411097.1); c.7402+1G>T (NM_001411096.1); c.7220-380G>T (NM_001135.4).
Identifiers: ClinVar variation 2028901 (VCV002028901.4), dbSNP rs553161065, ClinGen allele CA393731476.
Genomic context (GRCh38, chr15:88,874,025, plus strand): 5'-CCACCATCCGGTGCCAGCCCAGCGGGCACTGGGAGGAGCCTCAGATCACCTGCACAGACC[G>T]TGAGCATCACCCCGGCCATCTCGCTGAGCACAGGGTTAGATTCTGCCAGCACAGCCTTCC-3'